The following is an entry in ClinVar:

NM_198506.5(LRIT3):c.277G>T (p.Val93Leu)

Gene: LRIT3 (leucine rich repeat, Ig-like and transmembrane domains 3; plus strand). Cytogenetic location: 4q25.
Variant type: single nucleotide variant.
Coding change: c.277G>T on transcript NM_198506.5 (MANE Select); coding-DNA position 277, G replaced by T.
Protein change: p.Val93Leu; replaces valine 93 with leucine.
Molecular consequence: missense variant.
Genome position (GRCh38, 1-based): chr4:109,851,664, G>T. VCF-style: chr4-109851664-G-T. GRCh37 (hg19) VCF-style: chr4-110772820-G-T.
Other names: short protein forms V93L.
Identifiers: ClinVar variation 954446 (VCV000954446.5), dbSNP rs1479270315, ClinGen allele CA357871416.
Genomic context (GRCh38, chr4:109,851,664, plus strand): 5'-TCTGCGGAGGCCTTCTATTACCTGGTGGAGCTCCAGTATCTCTGGGTGACTTACAATTCC[G>T]TGGCCAGCATTGACCCCAGCAGCTTTTACAACCTGAAGCAACTGCATGAGTTGCGCTTGG-3'
Protein context (NP_940908.3, residues 83-103): LQYLWVTYNS[Val93Leu]ASIDPSSFYN

ClinVar aggregate classification (germline): Uncertain significance. Review status: criteria provided, single submitter (1 of 4 stars). 2 submissions from 2 submitters: Uncertain significance (1). 1 of the submissions does not count toward it. Last evaluated 2022-06-30.

Conditions:
Stargardt disease (FFM). Also called: Stargardt's disease; Fundus flavimaculatus. Identifiers: Orphanet 827, MedGen C0271093, MONDO:0019353.

gnomAD v4.1: 3 of 1,551,638 alleles (0.00019%); highest among the groups gnomAD compares: Admixed American, 0.0059%; no homozygotes.

Submissions (2):

Labcorp Genetics (formerly Invitae), Labcorp
Classification: Uncertain significance. Last evaluated: 2022-06-30. Review status: criteria provided, single submitter. Criteria: Invitae Variant Classification Sherloc (09022015). Collection method: clinical testing. Allele origin: germline.
Comment: In summary, the available evidence is currently insufficient to determine the role of this variant in disease. Therefore, it has been classified as a Variant of Uncertain Significance. Algorithms developed to predict the effect of missense changes on protein structure and function output the following: SIFT: "Deleterious"; PolyPhen-2: "Benign"; Align-GVGD: "Class C0". The leucine amino acid residue is found in multiple mammalian species, which suggests that this missense change does not adversely affect protein function. ClinVar contains an entry for this variant (Variation ID: 954446). This variant has not been reported in the literature in individuals affected with LRIT3-related conditions. This variant is present in population databases (no rsID available, gnomAD 0.008%). This sequence change replaces valine, which is neutral and non-polar, with leucine, which is neutral and non-polar, at codon 93 of the LRIT3 protein (p.Val93Leu).

Ophthalmo-Genetics Lab, Instituto de Oftalmologia Conde de Valenciana
Classification: Pathogenic for Stargardt disease. Last evaluated: 2022-12-13. Review status: no assertion criteria provided. Collection method: research. Allele origin: biparental. Inheritance: Autosomal recessive inheritance. Affected: yes. Observed: 1 compound heterozygote. Not counted in ClinVar's aggregate classification.

Literature cited by the submitters: PubMed 27428514 (cited by Ophthalmo-Genetics Lab, Instituto de Oftalmologia Conde de Valenciana).